The following is an entry in ClinVar:

ClinVar aggregate classification (germline): Uncertain significance (0 of 4 stars; one submission).

Conditions:
PCNT-related disorder. Also called: PCNT-related condition.

Submission:

PreventionGenetics, part of Exact Sciences
Classification: Uncertain significance for PCNT-related condition. Last evaluated: 2024-09-20. Review status: no assertion criteria provided. Collection method: clinical testing. Allele origin: germline.
Comment: The PCNT c.1328A>C variant is predicted to result in the amino acid substitution p.Lys443Thr. To our knowledge, this variant has not been reported in the literature. This variant is reported in 0.00088% of alleles in individuals of European (Non-Finnish) descent in gnomAD. At this time, the clinical significance of this variant is uncertain due to the absence of conclusive functional and genetic evidence.

NM_006031.6(PCNT):c.1328A>C (p.Lys443Thr)

Gene: PCNT (pericentrin; plus strand). Cytogenetic location: 21q22.3.
Variant type: single nucleotide variant.
Coding change: c.1328A>C on transcript NM_006031.6 (MANE Select); coding-DNA position 1328, A replaced by C.
Protein change: p.Lys443Thr; replaces lysine 443 with threonine.
Molecular consequence: missense variant.
Genome position (GRCh38, 1-based): chr21:46,349,804, A>C. VCF-style: chr21-46349804-A-C. GRCh37 (hg19) VCF-style: chr21-47769718-A-C.
Other names: c.974A>C, p.Lys325Thr (NM_001315529.2); short protein forms K325T, K443T.
Identifiers: ClinVar variation 3347704 (VCV003347704.1).
Genomic context (GRCh38, chr21:46,349,804, plus strand): 5'-TGCAGTCCGAGCACGGCCGGTGTTTAGAAGACTTGGAGTTCAAGTTCAAAGAGAGCGAGA[A>C]AGAAAAACAGCTGGAGGTGGGCAGCAGCTTCGTTATTTAATTACTTGGTATATTAGGGAA-3'
Protein context (NP_006022.3, residues 433-453): DLEFKFKESE[Lys443Thr]EKQLELENLQ